The following is an entry in ClinVar:

NM_001204.7(BMPR2):c.2141C>G (p.Ala714Gly)

Gene: BMPR2 (bone morphogenetic protein receptor type 2; plus strand). Cytogenetic location: 2q33.2.
Variant type: single nucleotide variant.
Coding change: c.2141C>G on transcript NM_001204.7 (MANE Select); coding-DNA position 2141, C replaced by G.
Protein change: p.Ala714Gly; replaces alanine 714 with glycine.
Molecular consequence: missense variant.
Genome position (GRCh38, 1-based): chr2:202,555,806, C>G. VCF-style: chr2-202555806-C-G. GRCh37 (hg19) VCF-style: chr2-203420529-C-G.
Other names: short protein forms A714G.
Identifiers: ClinVar variation 4596972 (VCV004596972.1).

ClinVar aggregate classification (germline): Uncertain significance (1 of 4 stars; one submission).

Conditions:
Inborn genetic diseases. Identifiers: MedGen C0950123, MeSH D030342.

gnomAD v4.1: 1 of 1,614,076 alleles (0.000062%); highest among the groups gnomAD compares: Non-Finnish European, 0.000085%; no homozygotes.

Submission:

Ambry Genetics
Classification: Uncertain significance for Inborn genetic diseases. Last evaluated: 2025-11-04. Review status: criteria provided, single submitter. Criteria: Ambry Variant Classification Scheme 2023. Collection method: clinical testing. Allele origin: germline.
Comment: The p.A714G variant (also known as c.2141C>G), located in coding exon 12 of the BMPR2 gene, results from a C to G substitution at nucleotide position 2141. The alanine at codon 714 is replaced by glycine, an amino acid with similar properties. This amino acid position is conserved. In addition, the in silico prediction for this alteration is inconclusive. Based on the available evidence, the clinical significance of this variant remains unclear.